The following is an entry in ClinVar:

NM_017841.4(SDHAF2):c.477_489del (p.Tyr160fs)

Gene: SDHAF2 (succinate dehydrogenase complex assembly factor 2; plus strand). Cytogenetic location: 11q12.2.
Variant type: Deletion.
Coding change: c.477_489del on transcript NM_017841.4 (MANE Select); coding-DNA positions 477 to 489, 13 bases deleted (GTACCTCTTTGAA).
Protein change: p.Tyr160fs; shifts the reading frame from tyrosine 160.
Molecular consequence: frameshift variant.
Genome position (GRCh38, 1-based): chr11:61,446,047-61,446,059, GTACCTCTTTGAA deleted; deleting any 13 consecutive bases within chr11:61,446,046-61,446,059 gives the same sequence; the c. name uses the placement nearest the transcript's 3' end. VCF-style (leftmost placement, unchanged base first): chr11-61446045-GAGTACCTCTTTGA-G. GRCh37 (hg19) VCF-style: chr11-61213517-GAGTACCTCTTTGA-G.
Other names: c.477_489delGTACCTCTTTGAA, p.Tyr160Serfs (NM_017841.2); short protein forms Y160fs.
Identifiers: ClinVar variation 3602251 (VCV003602251.1).

ClinVar aggregate classification (germline): Uncertain significance (1 of 4 stars; one submission).

Submission:

GeneDx
Classification: Uncertain significance. Last evaluated: 2024-08-01. Review status: criteria provided, single submitter. Criteria: GeneDx Variant Classification Process June 2021. Collection method: clinical testing. Allele origin: germline. Affected: yes.
Comment: Frameshift variant predicted to result in abnormal protein length as the last 7 amino acids are replaced with 18 different amino acids; Not observed at significant frequency in large population cohorts (gnomAD); Has not been previously published as pathogenic or benign to our knowledge